The following is an entry in ClinVar:

ClinVar aggregate classification (germline): Uncertain significance. Review status: criteria provided, multiple submitters, no conflicts (2 of 4 stars). 2 submissions from 2 submitters: Uncertain significance (2). Last evaluated 2023-01-25.

Submissions (2):

GeneDx
Classification: Uncertain significance. Last evaluated: 2023-01-25. Review status: criteria provided, single submitter. Criteria: GeneDx Variant Classification Process June 2021. Collection method: clinical testing. Allele origin: germline. Affected: yes.
Comment: Not observed at significant frequency in large population cohorts (gnomAD); In silico analysis supports that this missense variant has a deleterious effect on protein structure/function; Has not been previously published as pathogenic or benign to our knowledge

CeGaT Center for Human Genetics Tuebingen
Classification: Uncertain significance. Last evaluated: 2020-01-01. Review status: criteria provided, single submitter. Criteria: CeGaT Center For Human Genetics Tuebingen Variant Classification Criteria Version 2. Collection method: clinical testing. Allele origin: germline. Affected: yes. Observed: 1 variant allele.

NM_001256789.3(CACNA1F):c.988G>A (p.Glu330Lys)

Gene: CACNA1F (calcium voltage-gated channel subunit alpha1 F; minus strand). Cytogenetic location: Xp11.23.
Variant type: single nucleotide variant.
Coding change: c.988G>A on transcript NM_001256789.3 (MANE Select); coding-DNA position 988, G replaced by A.
Protein change: p.Glu330Lys; replaces glutamic acid 330 with lysine.
Molecular consequence: missense variant.
Genome position (GRCh38, 1-based): chrX:49,228,277, C>T on the plus strand (G>A on the coding strand, the complement: CACNA1F is on the minus strand). VCF-style: chrX-49228277-C-T. GRCh37 (hg19) VCF-style: chrX-49084739-C-T.
Other names: c.793G>A, p.Glu265Lys (NM_001256790.3); c.988G>A, p.Glu330Lys (NM_005183.4); c.988G>A (NM_005183.2); short protein forms E265K, E330K.
Identifiers: ClinVar variation 871785 (VCV000871785.42), dbSNP rs2065843939, ClinGen allele CA412922404.